The following is an entry in ClinVar:

NM_024675.4(PALB2):c.3113+1375G>A

Gene: PALB2 (partner and localizer of BRCA2; minus strand). Cytogenetic location: 16p12.2.
Variant type: single nucleotide variant.
Coding change: c.3113+1375G>A on transcript NM_024675.4 (MANE Select); 1375 bases into the intron after coding-DNA position 3113, G replaced by A.
Molecular consequence: intron variant.
Genome position (GRCh38, 1-based): chr16:23,619,987, C>T on the plus strand (G>A on the coding strand, the complement: PALB2 is on the minus strand). VCF-style: chr16-23619987-C-T. GRCh37 (hg19) VCF-style: chr16-23631308-C-T.
Identifiers: ClinVar variation 1691951 (VCV001691951.1), dbSNP rs2142321003, ClinGen allele CA2573152169.

ClinVar aggregate classification (germline): Uncertain significance (1 of 4 stars; one submission).

Conditions:
Hereditary cancer-predisposing syndrome. Also called: Hereditary Cancer Syndrome; Hereditary neoplastic syndrome; Neoplastic Syndromes, Hereditary; Tumor predisposition. Identifiers: Orphanet 140162, MedGen C0027672, MeSH D009386, MONDO:0015356.

Submission:

Sema4
Classification: Uncertain significance for Hereditary cancer-predisposing syndrome. Last evaluated: 2021-12-22. Review status: criteria provided, single submitter. Criteria: Sema4 Curation Guidelines. Collection method: curation. Allele origin: germline.
Comment: The PALB2 c.3113+1375G>A variant has not been reported in the literature to our knowledge. It was not observed in the large and broad cohorts of the Genome Aggregation Database (PMID: 32461654), nor has it been reported in ClinVar. The evidence is insufficient to meet ACMG/AMP criteria for classifying the variant as benign or pathogenic. Thus, the clinical significance of this variant is currently uncertain.